The following is an entry in ClinVar:

ClinVar aggregate classification (germline): Likely pathogenic (1 of 4 stars; one submission).

Conditions:
Retinitis pigmentosa 59 (RP59). Identifiers: Orphanet 791, MedGen C3151227, MONDO:0013468, OMIM 613861.

Submission:

Labcorp Genetics (formerly Invitae), Labcorp
Classification: Likely pathogenic for Retinitis pigmentosa 59. Last evaluated: 2023-09-14. Review status: criteria provided, single submitter. Criteria: Invitae Variant Classification Sherloc (09022015). Collection method: clinical testing. Allele origin: germline.
Comment: This sequence change affects a donor splice site in intron 7 of the DHDDS gene. It is expected to disrupt RNA splicing. Variants that disrupt the donor or acceptor splice site typically lead to a loss of protein function (PMID: 16199547), and loss-of-function variants in DHDDS are known to be pathogenic (PMID: 24664742). This variant is present in population databases (no rsID available, gnomAD 0.0009%). This variant has not been reported in the literature in individuals affected with DHDDS-related conditions. Algorithms developed to predict the effect of sequence changes on RNA splicing suggest that this variant may disrupt the consensus splice site. In summary, the currently available evidence indicates that the variant is pathogenic, but additional data are needed to prove that conclusively. Therefore, this variant has been classified as Likely Pathogenic.

Literature cited by the submitters: PubMed 16199547; PubMed 24664742.

NM_205861.3(DHDDS):c.657+1G>A

Gene: DHDDS (dehydrodolichyl diphosphate synthase subunit; plus strand). Cytogenetic location: 1p36.11.
Variant type: single nucleotide variant.
Coding change: c.657+1G>A on transcript NM_205861.3 (MANE Select); the canonical splice donor site of the intron after coding-DNA position 657, G replaced by A.
Molecular consequence: splice donor variant.
Genome position (GRCh38, 1-based): chr1:26,457,906, G>A. VCF-style: chr1-26457906-G-A. GRCh37 (hg19) VCF-style: chr1-26784397-G-A.
Other names: c.378+1G>A (NM_001319959.2); c.657+1G>A (NM_024887.4); c.555+1G>A (NM_001243564.2); c.540+1G>A (NM_001243565.2).
Identifiers: ClinVar variation 2836308 (VCV002836308.3), dbSNP rs1314876691, ClinGen allele CA339144912.
Genomic context (GRCh38, chr1:26,457,906, plus strand): 5'-CCTGACATCTTGATACGGACTTCTGGAGAAGTGCGGCTGAGTGACTTCTTGCTATGGCAG[G>A]TAGGTCATTTCCAAGTACTATTATGTTTGTGTCATGGGGAAACCAACTGTATCCACAGAA-3'